The following is an entry in ClinVar:

ClinVar aggregate classification (germline): Benign/Likely benign. Review status: criteria provided, multiple submitters, no conflicts (2 of 4 stars). 7 submissions from 7 submitters: Benign (5); Likely benign (2). Last evaluated 2026-01-28.

Conditions:
Luscan-Lumish syndrome. Identifiers: Orphanet 597738, MedGen C4085873, MONDO:0014791, OMIM 616831.

Allele frequency attached by ClinVar (database versions not stated): gnomAD exomes 0.00195; ExAC 0.00238; gnomAD 0.00809 and 0.00871; 1000 Genomes Project 0.00859; ESP Exome Variant Server 0.00915; 1000 Genomes Project 30x 0.00921; TOPMed 0.00922.
gnomAD v4.1: 2,434 of 1,610,008 alleles (0.15%); highest among the groups gnomAD compares: African/African-American, 3%; 38 homozygotes.

Submissions (7):

Labcorp Genetics (formerly Invitae), Labcorp
Classification: Benign for Luscan-Lumish syndrome. Last evaluated: 2026-01-28. Review status: criteria provided, single submitter. Criteria: Invitae Variant Classification Sherloc (09022015). Collection method: clinical testing. Allele origin: germline.

Mayo Clinic Laboratories, Mayo Clinic
Classification: Benign. Last evaluated: 2025-03-11. Review status: criteria provided, single submitter. Criteria: ACMG Guidelines, 2015. Collection method: clinical testing. Allele origin: germline. Observed: 1 variant allele.
Comment: BA1, BP4, BP7

Athena Diagnostics
Classification: Benign. Last evaluated: 2025-03-03. Review status: criteria provided, single submitter. Criteria: Athena Diagnostics Criteria. Collection method: clinical testing. Allele origin: unknown.
Comment: The frequency of this variant in the general population is higher than would generally be expected for pathogenic variants in this gene.

Genome-Nilou Lab
Classification: Benign for Luscan-Lumish syndrome. Last evaluated: 2022-03-15. Review status: criteria provided, single submitter. Criteria: ACMG Guidelines, 2015. Collection method: clinical testing. Allele origin: germline. Affected: no.

GeneDx
Classification: Likely benign. Last evaluated: 2021-04-20. Review status: criteria provided, single submitter. Criteria: GeneDx Variant Classification Process June 2021. Collection method: clinical testing. Allele origin: germline. Affected: yes.

Genetic Services Laboratory, University of Chicago
Classification: Benign. Last evaluated: 2018-10-23. Review status: criteria provided, single submitter. Criteria: ACMG Guidelines, 2015. Collection method: clinical testing. Allele origin: germline. Affected: no.

Breakthrough Genomics
Classification: Likely benign. Review status: criteria provided, single submitter. Criteria: ACMG Guidelines, 2015. Collection method: not provided. Allele origin: germline. Inheritance: Autosomal dominant inheritance. Affected: yes.

NM_014159.7(SETD2):c.3249A>C (p.Thr1083=)

Gene: SETD2 (SET domain containing 2, histone lysine methyltransferase; minus strand). Cytogenetic location: 3p21.31.
Variant type: single nucleotide variant.
Coding change: c.3249A>C on transcript NM_014159.7 (MANE Select); coding-DNA position 3249, A replaced by C.
Protein change: p.Thr1083=; no amino-acid change (threonine 1083 retained).
Molecular consequence: synonymous variant. On other transcripts: non-coding transcript variant (1).
Genome position (GRCh38, 1-based): chr3:47,121,387, T>G on the plus strand (A>C on the coding strand, the complement: SETD2 is on the minus strand). VCF-style: chr3-47121387-T-G. GRCh37 (hg19) VCF-style: chr3-47162877-T-G.
Other names: p.Thr1083=; c.3117A>C, p.Thr1039= (NM_001349370.3).
Identifiers: ClinVar variation 475506 (VCV000475506.21), dbSNP rs80241480, ClinGen allele CA2363415.
Genomic context (GRCh38, chr3:47,121,387, plus strand): 5'-ATCTTCCCAATGGTCAGAATAGTGTCTATAACTTTGACTGCTCCGAGAAGAACAAGGACT[T>G]GTTTCTTCCATGGGCAAAGTAGAATTCTTTGGCACAACCACAACAGACTGGAGACGGTTT-3'
Protein context (NP_054878.5, residues 1073-1093): PKNSTLPMEE[Thr1083=]SPCSSRSSQS